The following is an entry in ClinVar:

NM_000018.4(ACADVL):c.1269+13dup

Gene: ACADVL (acyl-CoA dehydrogenase very long chain; plus strand). Cytogenetic location: 17p13.1.
Variant type: Duplication.
Coding change: c.1269+13dup on transcript NM_000018.4 (MANE Select); 13 bases into the intron after coding-DNA position 1269, one base duplicated (G; older notation c.1269+13dupG).
Molecular consequence: intron variant.
Genome position (GRCh38, 1-based): chr17:7,223,743, G duplicated; the last of 2 consecutive G bases (chr17:7,223,742-7,223,743); duplicating either gives the same sequence. VCF-style (leftmost placement, unchanged base first): chr17-7223741-A-AG. GRCh37 (hg19) VCF-style: chr17-7127060-A-AG.
Other names: c.1338+13dup (NM_001270447.2); c.1041+13dup (NM_001270448.2); c.1203+13dup (NM_001033859.3).
Identifiers: ClinVar variation 932821 (VCV000932821.2), dbSNP rs2071341157, ClinGen allele CA1139665150.

ClinVar aggregate classification (germline): Uncertain significance (1 of 4 stars; one submission).

Conditions:
Very long chain acyl-CoA dehydrogenase deficiency (ACADVLD). Also called: Very Long-Chain Acyl-Coenzyme A Dehydrogenase Deficiency; VLCAD Deficiency. Identifiers: Orphanet 26793, MedGen C3887523, MONDO:0008723, OMIM 201475.

Submission:

Wong Mito Lab, Molecular and Human Genetics, Baylor College of Medicine
Classification: Uncertain significance for Very long chain acyl-CoA dehydrogenase deficiency. Last evaluated: 2019-11-01. Review status: criteria provided, single submitter. Criteria: ACMG Guidelines, 2015. Collection method: clinical testing. Allele origin: germline.
Comment: The NM_000018.3:c.1269+13dupG (NP_000009.1:p.?) [GRCH38: NC_000017.11:g.7223743dup] variant in ACADVL gene is interpretated to be Uncertain Significance based on ACMG guidelines (PMID: 25741868). This variant has been reported. This variant dose not meet any evidence codes reported in the ACMG guidelines.